The following is an entry in ClinVar:

NM_014017.4(LAMTOR2):c.27G>C (p.Gln9His)

Gene: LAMTOR2 (late endosomal/lysosomal adaptor, MAPK and MTOR activator 2; plus strand). Cytogenetic location: 1q22.
Variant type: single nucleotide variant.
Coding change: c.27G>C on transcript NM_014017.4 (MANE Select); coding-DNA position 27, G replaced by C.
Protein change: p.Gln9His; replaces glutamine 9 with histidine.
Molecular consequence: missense variant.
Genome position (GRCh38, 1-based): chr1:156,054,916, G>C. VCF-style: chr1-156054916-G-C. GRCh37 (hg19) VCF-style: chr1-156024707-G-C.
Other names: c.27G>C, p.Gln9His (NM_001145264.2); short protein forms Q9H.
Identifiers: ClinVar variation 1499151 (VCV001499151.8), dbSNP rs775103008, ClinGen allele CA342814575.

ClinVar aggregate classification (germline): Uncertain significance (1 of 4 stars; one submission).

gnomAD v4.1: 1 of 1,613,056 alleles (0.000062%); highest among the groups gnomAD compares: Admixed American, 0.0017%; no homozygotes.

Submission:

Labcorp Genetics (formerly Invitae), Labcorp
Classification: Uncertain significance. Last evaluated: 2022-08-31. Review status: criteria provided, single submitter. Criteria: Invitae Variant Classification Sherloc (09022015). Collection method: clinical testing. Allele origin: germline.
Comment: In summary, the available evidence is currently insufficient to determine the role of this variant in disease. Therefore, it has been classified as a Variant of Uncertain Significance. Algorithms developed to predict the effect of sequence changes on RNA splicing suggest that this variant may disrupt the consensus splice site. Algorithms developed to predict the effect of missense changes on protein structure and function are either unavailable or do not agree on the potential impact of this missense change (SIFT: "Deleterious"; PolyPhen-2: "Possibly Damaging"; Align-GVGD: "Class C0"). ClinVar contains an entry for this variant (Variation ID: 1499151). This variant has not been reported in the literature in individuals affected with LAMTOR2-related conditions. This variant is not present in population databases (gnomAD no frequency). This sequence change replaces glutamine, which is neutral and polar, with histidine, which is basic and polar, at codon 9 of the LAMTOR2 protein (p.Gln9His).